The following is an entry in ClinVar:

ClinVar aggregate classification (germline): Likely pathogenic (1 of 4 stars; one submission).

Conditions:
Autosomal dominant retinitis pigmentosa. Identifiers: MedGen C0339525.

Submission:

GeneDx
Classification: Likely pathogenic. Last evaluated: 2020-10-14. Review status: criteria provided, single submitter. Criteria: GeneDx Variant Classification Process June 2021. Collection method: clinical testing. Allele origin: germline. Affected: yes.
Comment: Frameshift variant predicted to result in protein truncation, as the last 43 amino acids are replaced with 33 different amino acids, and other loss-of-function variants have been reported downstream in the Human Gene Mutation Database (Stenson et al., 2014); Not observed in large population cohorts (Lek et al., 2016); Has not been previously published as pathogenic or benign to our knowledge

NM_000539.3(RHO):c.946del (p.Cys316fs)

Gene: RHO (rhodopsin; plus strand). Cytogenetic location: 3q22.1.
Variant type: Deletion.
Coding change: c.946del on transcript NM_000539.3 (MANE Select); coding-DNA position 946, one base deleted (T; older notation c.946delT).
Protein change: p.Cys316fs; shifts the reading frame from cysteine 316.
Molecular consequence: frameshift variant.
Genome position (GRCh38, 1-based): chr3:129,533,617, T deleted. VCF-style (leftmost placement, unchanged base first): chr3-129533616-CT-C. GRCh37 (hg19) VCF-style: chr3-129252459-CT-C.
Other names: c.946delT (NM_000539.3); short protein forms C316fs.
Identifiers: ClinVar variation 419250 (VCV000419250.4), dbSNP rs1064793749, ClinGen allele CA16617826.